The following is an entry in ClinVar:

ClinVar aggregate classification (germline): Uncertain significance. Review status: criteria provided, multiple submitters, no conflicts (2 of 4 stars). 3 submissions from 3 submitters: Uncertain significance (3). Last evaluated 2025-11-07.

Conditions:
Hereditary cancer-predisposing syndrome. Also called: Neoplastic Syndromes, Hereditary; Tumor predisposition; Hereditary Cancer Syndrome; Hereditary neoplastic syndrome. Identifiers: Orphanet 140162, MedGen C0027672, MeSH D009386, MONDO:0015356.
Facial dysmorphism-immunodeficiency-livedo-short stature syndrome. Also called: Facial dysmorphism, immunodeficiency, livedo, and short stature; FILS syndrome. Identifiers: Orphanet 352712, MedGen C3554576, MONDO:0014058, OMIM 615139.
Intrauterine growth retardation, metaphyseal dysplasia, adrenal hypoplasia congenita, genital anomalies, and immunodeficiency. Also called: IMAGEI SYNDROME. Identifiers: MedGen C5193036, MONDO:0032684, OMIM 618336.
Colorectal cancer, susceptibility to, 12 (CRCS12). Also called: COLORECTAL CANCER, SUSCEPTIBILITY TO, ON CHROMOSOME 12q24. Identifiers: Orphanet 220460, MedGen C3554460, MONDO:0014038, OMIM 615083.

Allele frequency attached by ClinVar (database versions not stated): gnomAD exomes below 0.00001; TOPMed below 0.00001.
gnomAD v4.1: 1 of 1,614,086 alleles (0.000062%); highest among the groups gnomAD compares: Non-Finnish European, 0.000085%; no homozygotes.

Submissions (3):

Ambry Genetics
Classification: Uncertain significance for Hereditary cancer-predisposing syndrome. Last evaluated: 2025-11-07. Review status: criteria provided, single submitter. Criteria: Ambry Variant Classification Scheme 2023. Collection method: clinical testing. Allele origin: germline.
Comment: The p.E2103A variant (also known as c.6308A>C), located in coding exon 45 of the POLE gene, results from an A to C substitution at nucleotide position 6308. The glutamic acid at codon 2103 is replaced by alanine, an amino acid with dissimilar properties. This amino acid position is conserved. In addition, the in silico prediction for this alteration is inconclusive. Since supporting evidence is limited at this time, the clinical significance of this alteration remains unclear.

Labcorp Genetics (formerly Invitae), Labcorp
Classification: Uncertain significance. Last evaluated: 2024-10-23. Review status: criteria provided, single submitter. Criteria: Invitae Variant Classification Sherloc (09022015). Collection method: clinical testing. Allele origin: germline.
Comment: This sequence change replaces glutamic acid, which is acidic and polar, with alanine, which is neutral and non-polar, at codon 2103 of the POLE protein (p.Glu2103Ala). This variant is not present in population databases (gnomAD no frequency). This variant has not been reported in the literature in individuals affected with POLE-related conditions. ClinVar contains an entry for this variant (Variation ID: 473795). Invitae Evidence Modeling of protein sequence and biophysical properties (such as structural, functional, and spatial information, amino acid conservation, physicochemical variation, residue mobility, and thermodynamic stability) indicates that this missense variant is not expected to disrupt POLE protein function with a negative predictive value of 80%. In summary, the available evidence is currently insufficient to determine the role of this variant in disease. Therefore, it has been classified as a Variant of Uncertain Significance.

Fulgent Genetics
Classification: Uncertain significance for Colorectal cancer, susceptibility to, 12; Facial dysmorphism-immunodeficiency-livedo-short stature syndrome; Intrauterine growth retardation, metaphyseal dysplasia, adrenal hypoplasia congenita, genital anomalies, and immunodeficiency. Last evaluated: 2024-01-05. Review status: criteria provided, single submitter. Criteria: ACMG Guidelines, 2015. Collection method: clinical testing. Allele origin: germline.

NM_006231.4(POLE):c.6308A>C (p.Glu2103Ala)

Gene: POLE (DNA polymerase epsilon, catalytic subunit; minus strand). Cytogenetic location: 12q24.33.
Variant type: single nucleotide variant.
Coding change: c.6308A>C on transcript NM_006231.4 (MANE Select); coding-DNA position 6308, A replaced by C.
Protein change: p.Glu2103Ala; replaces glutamic acid 2103 with alanine.
Molecular consequence: missense variant.
Genome position (GRCh38, 1-based): chr12:132,632,337, T>G on the plus strand (A>C on the coding strand, the complement: POLE is on the minus strand). VCF-style: chr12-132632337-T-G. GRCh37 (hg19) VCF-style: chr12-133208923-T-G.
Other names: short protein forms E2103A.
Identifiers: ClinVar variation 473795 (VCV000473795.13), dbSNP rs1555220870, ClinGen allele CA387369259.